The following is an entry in ClinVar:

ClinVar aggregate classification (germline): Uncertain significance (1 of 4 stars; one submission).

Allele frequency attached by ClinVar (database versions not stated): gnomAD 0.00001 and 0.00004; gnomAD exomes 0.00001 and 0.00002; TOPMed 0.00003.
gnomAD v4.1: 27 of 1,613,982 alleles (0.0017%); highest among the groups gnomAD compares: Non-Finnish European, 0.0019%; no homozygotes.

Submission:

Labcorp Genetics (formerly Invitae), Labcorp
Classification: Uncertain significance. Last evaluated: 2023-11-10. Review status: criteria provided, single submitter. Criteria: Invitae Variant Classification Sherloc (09022015). Collection method: clinical testing. Allele origin: germline.
Comment: This sequence change replaces serine, which is neutral and polar, with leucine, which is neutral and non-polar, at codon 522 of the KIF20A protein (p.Ser522Leu). This variant is present in population databases (rs778034218, gnomAD 0.003%). This variant has not been reported in the literature in individuals affected with KIF20A-related conditions. ClinVar contains an entry for this variant (Variation ID: 1477897). An algorithm developed to predict the effect of missense changes on protein structure and function (PolyPhen-2) suggests that this variant is likely to be disruptive. In summary, the available evidence is currently insufficient to determine the role of this variant in disease. Therefore, it has been classified as a Variant of Uncertain Significance.

NM_005733.3(KIF20A):c.1565C>T (p.Ser522Leu)

Gene: KIF20A (kinesin family member 20A; plus strand). Cytogenetic location: 5q31.2.
Variant type: single nucleotide variant.
Coding change: c.1565C>T on transcript NM_005733.3 (MANE Select); coding-DNA position 1565, C replaced by T.
Protein change: p.Ser522Leu; replaces serine 522 with leucine.
Molecular consequence: missense variant.
Genome position (GRCh38, 1-based): chr5:138,184,558, C>T. VCF-style: chr5-138184558-C-T. GRCh37 (hg19) VCF-style: chr5-137520247-C-T.
Other names: short protein forms S522L.
Identifiers: ClinVar variation 1477897 (VCV001477897.6), dbSNP rs778034218, ClinGen allele CA128186256.